The following is an entry in ClinVar:

NM_001048174.2(MUTYH):c.1016_1017del (p.Pro339fs)

Gene: MUTYH (mutY DNA glycosylase; minus strand). Cytogenetic location: 1p34.1.
Variant type: Deletion.
Coding change: c.1016_1017del on transcript NM_001048174.2 (MANE Select); coding-DNA positions 1016 to 1017, 2 bases deleted (CC; older notation c.1016_1017delCC).
Protein change: p.Pro339fs; shifts the reading frame from proline 339.
Molecular consequence: frameshift variant. On other transcripts: non-coding transcript variant (2).
Genome position (GRCh38, 1-based): chr1:45,331,746-45,331,747, GG deleted on the plus strand (CC on the coding strand, the reverse complement: MUTYH is on the minus strand); deleting any 2 consecutive bases within chr1:45,331,746-45,331,751 gives the same sequence; the c. name uses the placement nearest the transcript's 3' end. VCF-style (leftmost placement, unchanged base first): chr1-45331745-TGG-T. GRCh37 (hg19) VCF-style: chr1-45797417-TGG-T.
Other names: c.1061_1062del, p.Pro354fs (NM_001293190.2); c.1049_1050del, p.Pro350fs (NM_001293191.2); c.740_741del, p.Pro247fs (NM_001293192.2, NM_001293196.2); c.1016_1017del, p.Pro339fs (NM_001293195.2, NM_001048171.2, NM_001048173.2); c.671_672del, p.Pro224fs (NM_001350650.2, NM_001350651.2); c.1091_1092del, p.Pro364fs (NM_012222.3); c.1100_1101delCC (NM_001128425.1); c.1019_1020del, p.Pro340fs (NM_001048172.2); and 1 more; short protein forms P339fs, P350fs, P340fs, P354fs, P364fs, P224fs, P247fs, P367fs.
Identifiers: ClinVar variation 406858 (VCV000406858.9), dbSNP rs768130289, ClinGen allele CA16610119.
Genomic context (GRCh38, chr1:45,331,745, plus strand): 5'-GAATTTGGGCCCCAAGGGCCCCAGGCTGTTCCAGAACACAGGTGGCAGAGCTCTCCTCCC[TGG>T]GGGGCTTGCGGCTGGCCTTTCTGGGGAAGTTGACCACTCCCAGGGTCTGGTCCCAGGGCT-3'

ClinVar aggregate classification (germline): Pathogenic/Likely pathogenic. Review status: criteria provided, multiple submitters, no conflicts (2 of 4 stars). 2 submissions from 2 submitters: Pathogenic (1); Likely pathogenic (1). Last evaluated 2025-02-10.

Conditions:
Familial adenomatous polyposis 2. Also called: COLORECTAL ADENOMATOUS POLYPOSIS, AUTOSOMAL RECESSIVE; MUTYH Polyposis; MUTYH-associated polyposis; MUTYH-related attenuated familial adenomatous polyposis; Adenomas, multiple colorectal; ADENOMAS, MULTIPLE COLORECTAL, AUTOSOMAL RECESSIVE. Identifiers: Orphanet 220460, Orphanet 247798, MedGen C3272841, MONDO:0012041, OMIM 608456.

Submissions (2):

Labcorp Genetics (formerly Invitae), Labcorp
Classification: Pathogenic for Familial adenomatous polyposis 2. Last evaluated: 2025-02-10. Review status: criteria provided, single submitter. Criteria: Invitae Variant Classification Sherloc (09022015). Collection method: clinical testing. Allele origin: germline.
Comment: This sequence change creates a premature translational stop signal (p.Pro367Glnfs*164) in the MUTYH gene. While this is not anticipated to result in nonsense mediated decay, it is expected to disrupt the last 183 amino acid(s) of the MUTYH protein. This variant is not present in population databases (gnomAD no frequency). This variant has not been reported in the literature in individuals affected with MUTYH-related conditions. ClinVar contains an entry for this variant (Variation ID: 406858). This variant disrupts a region of the MUTYH protein in which other variant(s) (p.Val493Phe) have been determined to be pathogenic (PMID: 17949294, 19806110, 20618354, 25820570). This suggests that this is a clinically significant region of the protein, and that variants that disrupt it are likely to be disease-causing. For these reasons, this variant has been classified as Pathogenic.

Baylor Genetics
Classification: Likely pathogenic for Familial adenomatous polyposis 2. Last evaluated: 2022-05-27. Review status: criteria provided, single submitter. Criteria: ACMG Guidelines, 2015. Collection method: clinical testing. Allele origin: unknown.

Literature cited by the submitters: PubMed 17949294 (cited by Labcorp Genetics (formerly Invitae), Labcorp); PubMed 19806110 (cited by Labcorp Genetics (formerly Invitae), Labcorp); PubMed 20618354 (cited by Labcorp Genetics (formerly Invitae), Labcorp); PubMed 25820570 (cited by Labcorp Genetics (formerly Invitae), Labcorp).